The following is an entry in ClinVar:

ClinVar aggregate classification (germline): Uncertain significance. Review status: criteria provided, multiple submitters, no conflicts (2 of 4 stars). 2 submissions from 2 submitters: Uncertain significance (2). Last evaluated 2023-06-07.

Conditions:
Inborn genetic diseases. Identifiers: MedGen C0950123, MeSH D030342.

gnomAD v4.1: 38 of 1,614,024 alleles (0.0024%); highest among the groups gnomAD compares: Middle Eastern, 0.049%; no homozygotes.

Submissions (2):

Ambry Genetics
Classification: Uncertain significance for Inborn genetic diseases. Last evaluated: 2023-06-07. Review status: criteria provided, single submitter. Criteria: Ambry Variant Classification Scheme 2023. Collection method: clinical testing. Allele origin: germline.

Labcorp Genetics (formerly Invitae), Labcorp
Classification: Uncertain significance. Last evaluated: 2022-04-29. Review status: criteria provided, single submitter. Criteria: Invitae Variant Classification Sherloc (09022015). Collection method: clinical testing. Allele origin: germline.
Comment: This sequence change replaces glycine, which is neutral and non-polar, with serine, which is neutral and polar, at codon 233 of the PUS3 protein (p.Gly233Ser). This variant is present in population databases (rs773552329, gnomAD 0.009%). This variant has not been reported in the literature in individuals affected with PUS3-related conditions. Algorithms developed to predict the effect of missense changes on protein structure and function are either unavailable or do not agree on the potential impact of this missense change (SIFT: "Tolerated"; PolyPhen-2: "Possibly Damaging"; Align-GVGD: "Class C0"). In summary, the available evidence is currently insufficient to determine the role of this variant in disease. Therefore, it has been classified as a Variant of Uncertain Significance.

NM_031307.4(PUS3):c.697G>A (p.Gly233Ser)

Genes: HYLS1 (HYLS1 centriolar and ciliogenesis associated; plus strand), PUS3 (pseudouridine synthase 3; minus strand). Cytogenetic location: 11q24.2.
Variant type: single nucleotide variant.
Coding change: c.697G>A on transcript NM_031307.4 (MANE Select); coding-DNA position 697, G replaced by A.
Protein change: p.Gly233Ser; replaces glycine 233 with serine.
Molecular consequence: missense variant. On other transcripts: intron variant (5).
Genome position (GRCh38, 1-based): chr11:125,895,471, C>T on the plus strand (G>A on the coding strand, the complement: PUS3 is on the minus strand). VCF-style: chr11-125895471-C-T. GRCh37 (hg19) VCF-style: chr11-125765366-C-T.
Other names: c.73G>A, p.Gly25Ser (NM_001271985.2); c.-80-3633C>T (NM_145014.3); c.-25-3873C>T (NM_001134793.2, NM_001377269.1); c.-22-3876C>T (NM_001424364.1, NM_001377270.1); short protein forms G233S, G25S.
Identifiers: ClinVar variation 1918785 (VCV001918785.4), dbSNP rs773552329, ClinGen allele CA6350461.